The following is an entry in ClinVar:

NM_017547.4(FOXRED1):c.*129C>G

Gene: FOXRED1 (FAD dependent oxidoreductase domain containing 1; plus strand). Cytogenetic location: 11q24.2.
Variant type: single nucleotide variant.
Coding change: c.*129C>G on transcript NM_017547.4 (MANE Select); 129 bases downstream of the stop codon, C replaced by G.
Molecular consequence: 3 prime UTR variant. On other transcripts: non-coding transcript variant (2).
Genome position (GRCh38, 1-based): chr11:126,277,818, C>G. VCF-style: chr11-126277818-C-G. GRCh37 (hg19) VCF-style: chr11-126147713-C-G.
Identifiers: ClinVar variation 303548 (VCV000303548.7), dbSNP rs594318, ClinGen allele CA6354500.
Genomic context (GRCh38, chr11:126,277,818, plus strand): 5'-CCATCTTCCCCAGTACTGTGCCAGGCCTTCTCCCCCTCCCCAGTGTCCTCTCCTCTCAGG[C>G]AGGCCATTGCACCCATATGGCTGGGCAGGCACAGGCAGTGAGGCCGAGGCCAATAGCGAG-3'

ClinVar aggregate classification (germline): Benign. Review status: criteria provided, multiple submitters, no conflicts (2 of 4 stars). 3 submissions from 3 submitters: Benign (3). Last evaluated 2018-06-23.

Conditions:
Mitochondrial complex I deficiency, nuclear type 1. Also called: NADH-COENZYME Q REDUCTASE DEFICIENCY; MITOCHONDRIAL NADH DEHYDROGENASE COMPONENT OF COMPLEX I, DEFICIENCY OF. Identifiers: MedGen C6022305, MONDO:0100224, OMIM 252010.

Allele frequency attached by ClinVar (database versions not stated): gnomAD 0.19642 and 0.20893; TOPMed 0.21152; gnomAD exomes 0.25171 and 0.30244; 1000 Genomes Project 30x 0.29544; 1000 Genomes Project 0.30212; ExAC 0.36372.
gnomAD v4.1: 249,723 of 1,018,350 alleles (25%); highest among the groups gnomAD compares: East Asian, 63%; 36,093 homozygotes.

Submissions (3):

GeneDx
Classification: Benign. Last evaluated: 2018-06-23. Review status: criteria provided, single submitter. Criteria: GeneDx Variant Classification Process June 2021. Collection method: clinical testing. Allele origin: germline. Affected: yes.

Illumina Laboratory Services, Illumina
Classification: Benign for Mitochondrial complex I deficiency, nuclear type 1. Last evaluated: 2018-01-13. Review status: criteria provided, single submitter. Criteria: ICSL Variant Classification Criteria 13 December 2019. Collection method: clinical testing. Allele origin: germline.
Comment: This variant was observed in the ICSL laboratory as part of a predisposition screen in an ostensibly healthy population. It had not been previously curated by ICSL or reported in the Human Gene Mutation Database (HGMD: prior to June 1st, 2018), and was therefore a candidate for classification through an automated scoring system. Utilizing variant allele frequency, disease prevalence and penetrance estimates, and inheritance mode, an automated score was calculated to assess if this variant is too frequent to cause the disease. Based on the score and internal cut-off values, a variant classified as benign is not then subjected to further curation. The score for this variant resulted in a classification of benign for this disease.

Breakthrough Genomics
Classification: Benign. Review status: criteria provided, single submitter. Criteria: ACMG Guidelines, 2015. Collection method: not provided. Allele origin: germline. Inheritance: Autosomal recessive inheritance. Affected: yes.